The following is an entry in ClinVar:

NM_001376.5(DYNC1H1):c.5784A>G (p.Leu1928=)

Gene: DYNC1H1 (dynein cytoplasmic 1 heavy chain 1; plus strand). Cytogenetic location: 14q32.31.
Variant type: single nucleotide variant.
Coding change: c.5784A>G on transcript NM_001376.5 (MANE Select); coding-DNA position 5784, A replaced by G.
Protein change: p.Leu1928=; no amino-acid change (leucine 1928 retained).
Molecular consequence: synonymous variant.
Genome position (GRCh38, 1-based): chr14:102,007,075, A>G. VCF-style: chr14-102007075-A-G. GRCh37 (hg19) VCF-style: chr14-102473412-A-G.
Identifiers: ClinVar variation 1113645 (VCV001113645.14), dbSNP rs2141290386, ClinGen allele CA487969746.

ClinVar aggregate classification (germline): Likely benign. Review status: criteria provided, multiple submitters, no conflicts (2 of 4 stars). 2 submissions from 2 submitters: Likely benign (2). Last evaluated 2026-03-01.

Conditions:
Charcot-Marie-Tooth disease axonal type 2O. Also called: Charcot-Marie-Tooth Neuropathy Type 2O; Charcot-Marie-Tooth disease, axonal, type 20; CHARCOT-MARIE-TOOTH NEUROPATHY, AXONAL, TYPE 2O; CHARCOT-MARIE-TOOTH DISEASE, AXONAL, AUTOSOMAL DOMINANT, TYPE 2O. Identifiers: Orphanet 284232, MedGen C3280220, MONDO:0013644, OMIM 614228.

Submissions (2):

CeGaT Center for Human Genetics Tuebingen
Classification: Likely benign. Last evaluated: 2026-03-01. Review status: criteria provided, single submitter. Criteria: CeGaT Center For Human Genetics Tuebingen Variant Classification Criteria Version 2. Collection method: clinical testing. Allele origin: germline. Affected: yes. Observed: 1 variant allele.
Comment: DYNC1H1: PM2:Supporting, BP4, BP7

Labcorp Genetics (formerly Invitae), Labcorp
Classification: Likely benign for Charcot-Marie-Tooth disease axonal type 2O. Last evaluated: 2025-09-09. Review status: criteria provided, single submitter. Criteria: Invitae Variant Classification Sherloc (09022015). Collection method: clinical testing. Allele origin: germline.